The following is an entry in ClinVar:

ClinVar aggregate classification (germline): Pathogenic/Likely pathogenic. Review status: criteria provided, multiple submitters, no conflicts (2 of 4 stars). 5 submissions from 5 submitters: Pathogenic (2); Likely pathogenic (1). 2 of the submissions do not count toward it. Last evaluated 2024-04-18.

Conditions:
SEC63-related disorder. Also called: SEC63-related condition.
Biliary tract abnormality. Identifiers: MedGen C0549613, MONDO:0004868, HP:0001080.
Autosomal dominant polycystic liver disease. Also called: Congenital cystic disease of liver; Polycystic liver disease. Identifiers: Orphanet 2924, MedGen C0158683, MONDO:0000447, HP:0006557.
Polycystic liver disease 2 (PCLD2). Also called: Polycystic liver disease 2 with or without kidney cysts. Identifiers: Orphanet 2924, MedGen C4310769, MONDO:0014860, OMIM 617004.

Allele frequency attached by ClinVar (database versions not stated): gnomAD exomes below 0.00001 and 0.00001; ExAC 0.00001; gnomAD 0.00001.
gnomAD v4.1: 6 of 1,599,294 alleles (0.00038%); highest among the groups gnomAD compares: Non-Finnish European, 0.00051%; no homozygotes.

Submissions (5):

Blueprint Genetics
Classification: Pathogenic for SEC63-related disorders. Last evaluated: 2024-04-18. Review status: criteria provided, single submitter. Criteria: ACMG Guidelines, 2015. Collection method: clinical testing. Allele origin: germline. Affected: yes. Observed: 2 variant alleles.

Victorian Clinical Genetics Services, Murdoch Childrens Research Institute
Classification: Pathogenic for Polycystic liver disease 2. Last evaluated: 2022-02-02. Review status: criteria provided, single submitter. Criteria: ACMG Guidelines, 2015. Collection method: clinical testing. Allele origin: germline. Inheritance: Autosomal dominant inheritance. Affected: yes.
Comment: Based on the classification scheme VCGS_Germline_v1.3.4, this variant is classified as Pathogenic. Following criteria are met: 0102 - Loss of function is a known mechanism of disease in this gene and is associated with polycystic liver disease 2 (MIM#617004). (I) 0107 - This gene is associated with autosomal dominant disease. (I) 0115 - Variants in this gene are known to have variable expressivity. Different individuals with the same variant can show a marked variation in disease phenotype from having hepatomegaly and more than 20 cysts to only having a few small cysts (PMID: 20095989). (I) 0201 - Variant is predicted to cause nonsense-mediated decay (NMD) and loss of protein (premature termination codon is located at least 54 nucleotides upstream of the final exon-exon junction). (SP) 0251 - This variant is heterozygous. (I) 0302 - Variant is present in gnomAD (v2) <0.001 for a dominant condition (3 heterozygotes, 0 homozygotes). (SP) 0701 - Other NMD predicted variants comparable to the one identified in this case have very strong previous evidence for pathogenicity. Other NMD predicted variants have been reported as pathogenic in individuals with polycystic liver disease (ClinVar, PMID: 20095989). (SP) 0803 - This variant has limited previous evidence of pathogenicity in an unrelated individual. This variant has been reported in an individual with polycystic liver disease (PMID: 20095989). (SP) 1208 - Inheritance information for this variant is not currently available in this individual. (I) Legend: (SP) - Supporting pathogenic, (I) - Information, (SB) - Supporting benign

Cambridge Genomics Laboratory, East Genomic Laboratory Hub, NHS Genomic Medicine Service
Classification: Likely pathogenic for Biliary tract abnormality. Last evaluated: 2020-02-10. Review status: criteria provided, single submitter. Criteria: ACGS Best Practice Guidelines for Variant Classification in Rare Disease 2020. Collection method: clinical testing. Allele origin: germline. Affected: yes. Observed: 1 variant allele.

Laboratory of Gastroenterology and Hepatology, Radboud University Medical Center
Classification: Pathogenic for Autosomal dominant polycystic liver disease. Last evaluated: 2021-09-01. Review status: no assertion criteria provided. Collection method: research. Allele origin: germline. Affected: yes. Not counted in ClinVar's aggregate classification.

Genomics And Bioinformatics Analysis Resource, Columbia University
Classification: Likely pathogenic for Polycystic liver disease 2. Review status: no assertion criteria provided. Collection method: research. Allele origin: unknown. Affected: yes. Not counted in ClinVar's aggregate classification.

Literature cited by the submitters: PubMed 20095989 (cited by Victorian Clinical Genetics Services, Murdoch Childrens Research Institute).

NM_007214.5(SEC63):c.292C>T (p.Arg98Ter)

Gene: SEC63 (SEC63 protein translocation regulator; minus strand). Cytogenetic location: 6q21.
Variant type: single nucleotide variant.
Coding change: c.292C>T on transcript NM_007214.5 (MANE Select); coding-DNA position 292, C replaced by T.
Protein change: p.Arg98Ter; replaces arginine 98 with a stop codon.
Molecular consequence: nonsense.
Genome position (GRCh38, 1-based): chr6:107,924,865, G>A on the plus strand (C>T on the coding strand, the complement: SEC63 is on the minus strand). VCF-style: chr6-107924865-G-A. GRCh37 (hg19) VCF-style: chr6-108246069-G-A.
Other names: c.292C>T (NM_007214.4); short protein forms R98*.
Identifiers: ClinVar variation 1255633 (VCV001255633.6), dbSNP rs768568123, ClinGen allele CA3947784.